The following is an entry in ClinVar:

NM_139058.3(ARX):c.1369G>A (p.Gly457Arg)

Gene: ARX (aristaless related homeobox; minus strand). Cytogenetic location: Xp21.3.
Variant type: single nucleotide variant.
Coding change: c.1369G>A on transcript NM_139058.3 (MANE Select); coding-DNA position 1369, G replaced by A.
Protein change: p.Gly457Arg; replaces glycine 457 with arginine.
Molecular consequence: missense variant.
Genome position (GRCh38, 1-based): chrX:25,007,190, C>T on the plus strand (G>A on the coding strand, the complement: ARX is on the minus strand). VCF-style: chrX-25007190-C-T. GRCh37 (hg19) VCF-style: chrX-25025307-C-T.
Other names: c.1369G>A (NM_139058.2); short protein forms G457R.
Identifiers: ClinVar variation 1926735 (VCV001926735.5), dbSNP rs2519101523, ClinGen allele CA412611158.
Genomic context (GRCh38, chrX:25,007,190, plus strand): 5'-TGAAAGCTGGGTGTCGGAACACTGCCGCTCCGAGGAAAGTGCTCAGGCCCAGCGGCGCCC[C>T]GCTGGGCGGCAGGCTGGCCGAGCCCGGAGGCGGAGGTAGGCTCGGGAAGGCGGCGGCGGC-3'
Protein context (NP_620689.1, residues 447-467): PPGSASLPPS[Gly457Arg]APLGLSTFLG

ClinVar aggregate classification (germline): Uncertain significance. Review status: criteria provided, multiple submitters, no conflicts (2 of 4 stars). 2 submissions from 2 submitters: Uncertain significance (2). Last evaluated 2025-10-31.

Conditions:
Developmental and epileptic encephalopathy, 1 (DEE1). Also called: X-linked infantile spasms; West's syndrome; Tonic spasms with clustering, arrest of psychomotor development and hypsarrhythmia on EEG; X-Linked Infantile Spasm Syndrome; OHTAHARA SYNDROME, X-LINKED; INFANTILE SPASM SYNDROME, X-LINKED 1. Identifiers: MedGen C3463992, MONDO:0010632, OMIM 308350. Disease mechanism: loss of function.
Intellectual disability, X-linked, with or without seizures, ARX-related. Also called: Mental retardation, X-linked 52; MENTAL RETARDATION, X-LINKED 29; MENTAL RETARDATION, X-LINKED 32; MENTAL RETARDATION, X-LINKED 33; MENTAL RETARDATION, X-LINKED 38; MENTAL RETARDATION, X-LINKED 43. Identifiers: Orphanet 777, MedGen C0796244, MONDO:0010317, OMIM 300419.

gnomAD v4.1: 2 of 1,186,034 alleles (0.00017%); highest among the groups gnomAD compares: Non-Finnish European, 0.00023%; no homozygotes.

Submissions (2):

GeneDx
Classification: Uncertain significance. Last evaluated: 2025-10-31. Review status: criteria provided, single submitter. Criteria: GeneDx Variant Classification Process June 2021. Collection method: clinical testing. Allele origin: germline.
Comment: Not observed at significant frequency in large population cohorts (gnomAD); In silico analysis supports that this missense variant has a deleterious effect on protein structure/function; Has not been previously published as pathogenic or benign to our knowledge

Labcorp Genetics (formerly Invitae), Labcorp
Classification: Uncertain significance for Developmental and epileptic encephalopathy, 1; Intellectual disability, X-linked, with or without seizures, ARX-related. Last evaluated: 2023-08-17. Review status: criteria provided, single submitter. Criteria: Invitae Variant Classification Sherloc (09022015). Collection method: clinical testing. Allele origin: germline.
Comment: This sequence change replaces glycine, which is neutral and non-polar, with arginine, which is basic and polar, at codon 457 of the ARX protein (p.Gly457Arg). This variant is not present in population databases (gnomAD no frequency). This variant has not been reported in the literature in individuals affected with ARX-related conditions. ClinVar contains an entry for this variant (Variation ID: 1926735). Advanced modeling of protein sequence and biophysical properties (such as structural, functional, and spatial information, amino acid conservation, physicochemical variation, residue mobility, and thermodynamic stability) performed at Invitae indicates that this missense variant is not expected to disrupt ARX protein function. In summary, the available evidence is currently insufficient to determine the role of this variant in disease. Therefore, it has been classified as a Variant of Uncertain Significance.